The following is an entry in ClinVar:

NM_175875.5(SIX5):c.179G>T (p.Gly60Val)

Genes: DM1-AS (DM1 locus antisense RNA; plus strand), SIX5 (SIX homeobox 5; minus strand), LOC107075317 (origin of replication in DMPK trinucleotide repeat region; plus strand), LOC129929037 (ATAC-STARR-seq lymphoblastoid silent region 10794; plus strand). Cytogenetic location: 19q13.32.
Variant type: single nucleotide variant.
Coding change: c.179G>T on transcript NM_175875.5 (MANE Select); coding-DNA position 179, G replaced by T.
Protein change: p.Gly60Val; replaces glycine 60 with valine.
Molecular consequence: missense variant.
Genome position (GRCh38, 1-based): chr19:45,768,666, C>A on the plus strand (G>T on the coding strand, the complement: SIX5 is on the minus strand). VCF-style: chr19-45768666-C-A. GRCh37 (hg19) VCF-style: chr19-46271924-C-A.
Other names: short protein forms G60V.
Identifiers: ClinVar variation 2163900 (VCV002163900.1), dbSNP rs1010041986, ClinGen allele CA309001759.

ClinVar aggregate classification (germline): Uncertain significance (1 of 4 stars; one submission).

Allele frequency attached by ClinVar (database versions not stated): TOPMed below 0.00001; gnomAD exomes 0.00001.
gnomAD v4.1: 10 of 1,288,292 alleles (0.00078%); highest among the groups gnomAD compares: Non-Finnish European, 0.00097%; no homozygotes.

Submission:

Labcorp Genetics (formerly Invitae), Labcorp
Classification: Uncertain significance. Last evaluated: 2022-10-07. Review status: criteria provided, single submitter. Criteria: Invitae Variant Classification Sherloc (09022015). Collection method: clinical testing. Allele origin: germline.
Comment: This sequence change replaces glycine, which is neutral and non-polar, with valine, which is neutral and non-polar, at codon 60 of the SIX5 protein (p.Gly60Val). This variant is not present in population databases (gnomAD no frequency). This variant has not been reported in the literature in individuals affected with SIX5-related conditions. Advanced modeling of protein sequence and biophysical properties (such as structural, functional, and spatial information, amino acid conservation, physicochemical variation, residue mobility, and thermodynamic stability) performed at Invitae indicates that this missense variant is not expected to disrupt SIX5 protein function. Algorithms developed to predict the effect of sequence changes on RNA splicing suggest that this variant may create or strengthen a splice site. In summary, the available evidence is currently insufficient to determine the role of this variant in disease. Therefore, it has been classified as a Variant of Uncertain Significance.